The following is an entry in ClinVar:

NM_000023.4(SGCA):c.317_318del (p.Thr106fs)

Gene: SGCA (sarcoglycan alpha; plus strand). Cytogenetic location: 17q21.33.
Variant type: Microsatellite.
Coding change: c.317_318del on transcript NM_000023.4 (MANE Select); coding-DNA positions 317 to 318, 2 bases deleted (CA; older notation c.317_318delCA).
Protein change: p.Thr106fs; shifts the reading frame from threonine 106.
Molecular consequence: frameshift variant. On other transcripts: non-coding transcript variant (1).
Genome position (GRCh38, 1-based): chr17:50,167,951-50,167,952, CA deleted; deleting any 2 consecutive bases within chr17:50,167,949-50,167,952 gives the same sequence; the c. name uses the placement nearest the transcript's 3' end. VCF-style (leftmost placement, unchanged base first): chr17-50167948-TCA-T. GRCh37 (hg19) VCF-style: chr17-48245309-TCA-T.
Other names: c.317_318del, p.Thr106fs (NM_001135697.3); c.317_318delCA (NM_000023.3); short protein forms T106fs.
Identifiers: ClinVar variation 597055 (VCV000597055.9), dbSNP rs1567739735, ClinGen allele CA913190535.

ClinVar aggregate classification (germline): Pathogenic/Likely pathogenic. Review status: criteria provided, multiple submitters, no conflicts (2 of 4 stars). 3 submissions from 3 submitters: Pathogenic (2); Likely pathogenic (1). Last evaluated 2025-12-23.

Conditions:
Autosomal recessive limb-girdle muscular dystrophy type 2D (LGMDR3). Also called: MUSCULAR DYSTROPHY, LIMB-GIRDLE, AUTOSOMAL RECESSIVE 3; ADHALINOPATHY, PRIMARY; DUCHENNE-LIKE AUTOSOMAL RECESSIVE MUSCULAR DYSTROPHY, TYPE 2. Identifiers: Orphanet 62, MedGen C2936332, MONDO:0011968, OMIM 608099. Disease mechanism: Affects gamma-sarcoglycan and also disrupts the integrity of the entire sarcoglycan complex..

Submissions (3):

Natera, Inc.
Classification: Likely pathogenic for Limb-girdle muscular dystrophy type 2D. Last evaluated: 2025-12-23. Review status: criteria provided, single submitter. Criteria: Natera Variant Classification Schema (03/2026). Collection method: clinical testing. Allele origin: germline.
Comment: The c.317_318delCA variant in SGCA is a frameshift variant predicted to shift the reading frame beginning at codon 106 and leads to a stop codon 8 codons downstream. This variant is expected to result in nonsense mediated decay, truncation, or a dysfunctional protein product. This variant is rare in the general population with a frequency below the threshold expected for the associated phenotype(s). Given the available evidence, this variant is classified as Likely Pathogenic.

Labcorp Genetics (formerly Invitae), Labcorp
Classification: Pathogenic for Autosomal recessive limb-girdle muscular dystrophy type 2D. Last evaluated: 2024-05-06. Review status: criteria provided, single submitter. Criteria: Invitae Variant Classification Sherloc (09022015). Collection method: clinical testing. Allele origin: germline.
Comment: This sequence change creates a premature translational stop signal (p.Thr106Serfs*8) in the SGCA gene. It is expected to result in an absent or disrupted protein product. Loss-of-function variants in SGCA are known to be pathogenic (PMID: 9192266). This variant is not present in population databases (gnomAD no frequency). This variant has not been reported in the literature in individuals affected with SGCA-related conditions. For these reasons, this variant has been classified as Pathogenic.

Eurofins Ntd Llc (ga)
Classification: Pathogenic. Last evaluated: 2018-05-07. Review status: criteria provided, single submitter. Criteria: EGL ClinVar v180209 classification definitions. Collection method: clinical testing. Allele origin: germline. Observed: 1 variant allele, 1 heterozygote.

Literature cited by the submitters: PubMed 9192266 (cited by Labcorp Genetics (formerly Invitae), Labcorp).